The following is an entry in ClinVar:

NM_001005182.2(OR6C1):c.865A>C (p.Ser289Arg)

Gene: OR6C1 (olfactory receptor family 6 subfamily C member 1; plus strand). Cytogenetic location: 12q13.2.
Variant type: single nucleotide variant.
Coding change: c.865A>C on transcript NM_001005182.2 (MANE Select); coding-DNA position 865, A replaced by C.
Protein change: p.Ser289Arg; replaces serine 289 with arginine.
Molecular consequence: missense variant.
Genome position (GRCh38, 1-based): chr12:55,321,464, A>C. VCF-style: chr12-55321464-A-C. GRCh37 (hg19) VCF-style: chr12-55715248-A-C.
Other names: short protein forms S289R.
Identifiers: ClinVar variation 2643059 (VCV002643059.24), dbSNP rs141094641, ClinGen allele CA6612803.

ClinVar aggregate classification (germline): Likely benign (1 of 4 stars; one submission).

Allele frequency attached by ClinVar (database versions not stated): 1000 Genomes Project 0.00140; 1000 Genomes Project 30x 0.00141; gnomAD 0.00455; gnomAD exomes 0.00496; ESP Exome Variant Server 0.00515; ExAC 0.00544.
gnomAD v4.1: 8,087 of 1,613,282 alleles (0.5%); highest among the groups gnomAD compares: Middle Eastern, 3.2%; 53 homozygotes.

Submission:

CeGaT Center for Human Genetics Tuebingen
Classification: Likely benign. Last evaluated: 2022-11-01. Review status: criteria provided, single submitter. Criteria: CeGaT Center For Human Genetics Tuebingen Variant Classification Criteria Version 2. Collection method: clinical testing. Allele origin: germline. Affected: yes. Observed: 1 variant allele.
Comment: OR6C1: BP4, BS2